The following is an entry in ClinVar:

NM_130837.3(OPA1):c.748del (p.Ala250fs)

Genes: OPA1 (OPA1 mitochondrial dynamin like GTPase; plus strand), OPA1-AS1 (OPA1 antisense RNA 1; minus strand). Cytogenetic location: 3q29.
Variant type: Deletion.
Coding change: c.748del on transcript NM_130837.3 (MANE Select); coding-DNA position 748, one base deleted (G; older notation c.748delG).
Protein change: p.Ala250fs; shifts the reading frame from alanine 250.
Molecular consequence: frameshift variant. On other transcripts: intron variant (5).
Genome position (GRCh38, 1-based): chr3:193,626,161, G deleted. VCF-style (leftmost placement, unchanged base first): chr3-193626160-CG-C. GRCh37 (hg19) VCF-style: chr3-193343949-CG-C.
Other names: c.214del, p.Ala72fs (NM_001354663.2); c.586del, p.Ala196fs (NM_130833.3); c.640del, p.Ala214fs (NM_130835.3); c.694del, p.Ala232fs (NM_130836.3); c.253-5451del (NM_001354664.2); c.679-5451del (NM_130834.3); c.625-5451del (NM_015560.3); c.571-5451del (NM_130832.3); and 1 more; short protein forms A232fs, A196fs, A250fs, A72fs, A214fs.
Identifiers: ClinVar variation 1411535 (VCV001411535.7), dbSNP rs1262868695, ClinGen allele CA437433779.

ClinVar aggregate classification (germline): Uncertain significance. Review status: criteria provided, multiple submitters, no conflicts (2 of 4 stars). 2 submissions from 2 submitters: Uncertain significance (2). Last evaluated 2022-08-16.

Allele frequency attached by ClinVar (database versions not stated): gnomAD exomes below 0.00001.

Submissions (2):

Labcorp Genetics (formerly Invitae), Labcorp
Classification: Uncertain significance. Last evaluated: 2022-08-16. Review status: criteria provided, single submitter. Criteria: Invitae Variant Classification Sherloc (09022015). Collection method: clinical testing. Allele origin: germline.
Comment: The OPA1 gene has multiple clinically relevant transcripts. This variant occurs in alternate transcript NM_130837.2, and corresponds to NM_015560.2:c.625-5451del in the primary transcript. This sequence change creates a premature translational stop signal (p.Ala250Leufs*33) in the OPA1 gene. It is expected to result in an absent or disrupted protein product. However, it is currently unclear if variants that occur in this region of the gene cause disease. This variant is not present in population databases (gnomAD no frequency). This variant has not been reported in the literature in individuals affected with OPA1-related conditions. ClinVar contains an entry for this variant (Variation ID: 1411535). Algorithms developed to predict the effect of sequence changes on RNA splicing suggest that this variant may disrupt the consensus splice site. In summary, the available evidence is currently insufficient to determine the role of this variant in disease. Therefore, it has been classified as a Variant of Uncertain Significance.

Blueprint Genetics
Classification: Uncertain significance. Last evaluated: 2021-11-05. Review status: criteria provided, single submitter. Criteria: ACMG Guidelines, 2015. Collection method: clinical testing. Allele origin: germline.